The following is an entry in ClinVar:

NM_002485.5(NBN):c.390A>G (p.Gln130=)

Gene: NBN (nibrin; minus strand). Cytogenetic location: 8q21.3.
Variant type: single nucleotide variant.
Coding change: c.390A>G on transcript NM_002485.5 (MANE Select); coding-DNA position 390, A replaced by G.
Protein change: p.Gln130=; no amino-acid change (glutamine 130 retained).
Molecular consequence: synonymous variant.
Genome position (GRCh38, 1-based): chr8:89,980,824, T>C on the plus strand (A>G on the coding strand, the complement: NBN is on the minus strand). VCF-style: chr8-89980824-T-C. GRCh37 (hg19) VCF-style: chr8-90993052-T-C.
Other names: c.144A>G, p.Gln48= (NM_001024688.3).
Identifiers: ClinVar variation 625984 (VCV000625984.23), dbSNP rs146150499, ClinGen allele CA4802988.
Genomic context (GRCh38, chr8:89,980,824, plus strand): 5'-AAGGTGAGTGCATTCTTCTGTCCAATTGTTTACAGTAAATCCTCCAAGTTGCAATATAGC[T>C]TGATTTAAAGCAGTTTTCCCAGAGACATCTAAACAAGAAGAGCATGCAACCAAAGGCTCA-3'
Protein context (NP_002476.2, residues 120-140): LDVSGKTALN[Gln130=]AILQLGGFTV

ClinVar aggregate classification (germline): Conflicting classifications of pathogenicity. Review status: criteria provided, conflicting classifications (1 of 4 stars). 6 submissions from 6 submitters: Uncertain significance (2); Benign (1); Likely benign (3). Last evaluated 2025-05-28.

Conditions:
Microcephaly, normal intelligence and immunodeficiency (NBS). Also called: BERLIN BREAKAGE SYNDROME; Ataxia telangiectasia variant V1; IMMUNODEFICIENCY, MICROCEPHALY, AND CHROMOSOMAL INSTABILITY; SEEMANOVA SYNDROME II; Immunodeficiency, microcephaly with normal intelligence; Nijmegen breakage syndrome. Identifiers: Orphanet 647, MedGen C0398791, MONDO:0009623, OMIM 251260.
Hereditary cancer-predisposing syndrome. Also called: Tumor predisposition; Neoplastic Syndromes, Hereditary; Hereditary Cancer Syndrome; Hereditary neoplastic syndrome. Identifiers: Orphanet 140162, MedGen C0027672, MeSH D009386, MONDO:0015356.
Acute lymphoid leukemia (ALL). Also called: Lymphoblastic leukemia; Acute lymphoblastic leukemia; Acute lymphocytic leukemia; Leukemia, acute lymphoblastic, somatic. Identifiers: Orphanet 513, MedGen C0023449, MONDO:0004967, OMIM 613065, HP:0006721.
Aplastic anemia. Identifiers: Orphanet 182040, Orphanet 88, MedGen C0002874, MONDO:0015909, OMIM 609135, HP:0001915.

Allele frequency attached by ClinVar (database versions not stated): gnomAD 0.00001; gnomAD exomes 0.00001 and 0.00002; TOPMed 0.00002; ExAC 0.00004; ESP Exome Variant Server 0.00015.
gnomAD v4.1: 21 of 1,612,716 alleles (0.0013%); highest among the groups gnomAD compares: Non-Finnish European, 0.0017%; no homozygotes.

Submissions (6):

Labcorp Genetics (formerly Invitae), Labcorp
Classification: Likely benign for Microcephaly, normal intelligence and immunodeficiency. Last evaluated: 2025-05-28. Review status: criteria provided, single submitter. Criteria: Invitae Variant Classification Sherloc (09022015). Collection method: clinical testing. Allele origin: germline.

Women's Health and Genetics/Laboratory Corporation of America, LabCorp
Classification: Likely benign. Last evaluated: 2022-06-30. Review status: criteria provided, single submitter. Criteria: LabCorp Variant Classification Summary - May 2015. Collection method: clinical testing. Allele origin: germline.

Genome-Nilou Lab
Classification: Uncertain significance for Microcephaly, normal intelligence and immunodeficiency. Last evaluated: 2021-11-07. Review status: criteria provided, single submitter. Criteria: ACMG Guidelines, 2015. Collection method: clinical testing. Allele origin: germline. Affected: no.

Center for Genomics, Ann and Robert H. Lurie Children's Hospital of Chicago
Classification: Uncertain significance for Acute lymphoid leukemia; Aplastic anemia; Microcephaly, normal intelligence and immunodeficiency. Last evaluated: 2021-03-30. Review status: criteria provided, single submitter. Criteria: ACMG Guidelines, 2015. Collection method: clinical testing. Allele origin: germline.
Comment: NBN NM_002485 exon 4 p.Gln130Gln (c.390A>G): This variant has not been reported in the literature but is present in 4/111612 European alleles in the Genome Aggregation Database. Evolutionary conservation and computational predictive tools for this variant are limited or unavailable. Of note, this variant is a silent variant and does not change the amino acid, reducing the probability that this variant is disease causing. In summary, data on this variant is insufficient for disease classification. Therefore, the clinical significance of this variant is uncertain.

Ambry Genetics
Classification: Likely benign for Hereditary cancer-predisposing syndrome. Last evaluated: 2018-12-06. Review status: criteria provided, single submitter. Criteria: Ambry Variant Classification Scheme 2023. Collection method: clinical testing. Allele origin: germline.

GeneDx
Classification: Benign. Last evaluated: 2015-03-03. Review status: criteria provided, single submitter. Criteria: GeneDx Variant Classification Process June 2021. Collection method: clinical testing. Allele origin: germline. Affected: yes.